The following is an entry in ClinVar:

NM_001868.4(CPA1):c.904T>A (p.Phe302Ile)

Gene: CPA1 (carboxypeptidase A1; plus strand). Cytogenetic location: 7q32.2.
Variant type: single nucleotide variant.
Coding change: c.904T>A on transcript NM_001868.4 (MANE Select); coding-DNA position 904, T replaced by A.
Protein change: p.Phe302Ile; replaces phenylalanine 302 with isoleucine.
Molecular consequence: missense variant.
Genome position (GRCh38, 1-based): chr7:130,385,262, T>A. VCF-style: chr7-130385262-T-A. GRCh37 (hg19) VCF-style: chr7-130025103-T-A.
Other names: short protein forms F302I.
Identifiers: ClinVar variation 3221852 (VCV003221852.1), dbSNP rs2536012243, ClinGen allele CA369283675.
Genomic context (GRCh38, chr7:130,385,262, plus strand): 5'-TCCGAAGTGGAGGTCAAGTCCATTGTAGACTTTGTGAAGGACCATGGGAACATCAAGGCC[T>A]TCATCTCCATCCACAGCTACTCCCAGCTCCTCATGTATCCCTATGGCTACAAAACAGAAC-3'
Protein context (NP_001859.1, residues 292-312): FVKDHGNIKA[Phe302Ile]ISIHSYSQLL

ClinVar aggregate classification (germline): Uncertain significance (1 of 4 stars; one submission).

Conditions:
Hereditary pancreatitis (PCTT). Also called: Hereditary chronic pancreatitis; PRSS1-Related Hereditary Pancreatitis. Identifiers: Orphanet 676, MedGen C0238339, MONDO:0008185, OMIM 167800.

Allele frequency attached by ClinVar (database versions not stated): gnomAD exomes below 0.00001.
gnomAD v4.1: 1 of 1,614,198 alleles (0.000062%); highest among the groups gnomAD compares: Non-Finnish European, 0.000085%; no homozygotes.

Submission:

Ambry Genetics
Classification: Uncertain significance for Hereditary pancreatitis. Last evaluated: 2023-11-24. Review status: criteria provided, single submitter. Criteria: Ambry Variant Classification Scheme 2023. Collection method: clinical testing. Allele origin: germline.
Comment: The p.F302I variant (also known as c.904T>A), located in coding exon 8 of the CPA1 gene, results from a T to A substitution at nucleotide position 904. The phenylalanine at codon 302 is replaced by isoleucine, an amino acid with highly similar properties. This amino acid position is conserved. In addition, the in silico prediction for this alteration is inconclusive. Since supporting evidence is limited at this time, the clinical significance of this alteration remains unclear.